The following is an entry in ClinVar:

ClinVar aggregate classification (germline): Likely benign (1 of 4 stars; one submission).

Submission:

CeGaT Center for Human Genetics Tuebingen
Classification: Likely benign. Last evaluated: 2023-01-01. Review status: criteria provided, single submitter. Criteria: CeGaT Center For Human Genetics Tuebingen Variant Classification Criteria Version 2. Collection method: clinical testing. Allele origin: germline. Affected: yes. Observed: 1 variant allele.
Comment: AKAP9: PM2:Supporting, BP4, BP7

NM_005751.5(AKAP9):c.6366A>C (p.Thr2122=)

Gene: AKAP9 (A-kinase anchoring protein 9; plus strand). Cytogenetic location: 7q21.2.
Variant type: single nucleotide variant.
Coding change: c.6366A>C on transcript NM_005751.5 (MANE Select); coding-DNA position 6366, A replaced by C.
Protein change: p.Thr2122=; no amino-acid change (threonine 2122 retained).
Molecular consequence: synonymous variant.
Genome position (GRCh38, 1-based): chr7:92,070,065, A>C. VCF-style: chr7-92070065-A-C. GRCh37 (hg19) VCF-style: chr7-91699379-A-C.
Other names: c.1011A>C, p.Thr337= (NM_001379277.1); c.6366A>C, p.Thr2122= (NM_147185.3).
Identifiers: ClinVar variation 2657667 (VCV002657667.24), dbSNP rs2535218322, ClinGen allele CA456455374.